The following is an entry in ClinVar:

NM_001165963.4(SCN1A):c.2248T>A (p.Cys750Ser)

Gene: SCN1A (sodium voltage-gated channel alpha subunit 1; minus strand). Cytogenetic location: 2q24.3.
Variant type: single nucleotide variant.
Coding change: c.2248T>A on transcript NM_001165963.4 (MANE Select); coding-DNA position 2248, T replaced by A.
Protein change: p.Cys750Ser; replaces cysteine 750 with serine.
Molecular consequence: missense variant. On other transcripts: 5 prime UTR variant (1), non-coding transcript variant (1).
Genome position (GRCh38, 1-based): chr2:166,041,398, A>T on the plus strand (T>A on the coding strand, the complement: SCN1A is on the minus strand). VCF-style: chr2-166041398-A-T. GRCh37 (hg19) VCF-style: chr2-166897908-A-T.
Other names: c.2164T>A, p.Cys722Ser (NM_001165964.3, NM_001353957.2, NM_001353958.2); c.2248T>A, p.Cys750Ser (NM_001202435.3, NM_001353948.2); c.2215T>A, p.Cys739Ser (NM_001353949.2, NM_001353950.2, NM_001353951.2 and 2 more transcripts); c.2212T>A, p.Cys738Ser (NM_001353954.2, NM_001353955.2); c.2161T>A, p.Cys721Ser (NM_001353960.2); c.-211T>A (NM_001353961.2); short protein forms C721S, C722S, C739S, C738S, C750S.
Identifiers: ClinVar variation 1975577 (VCV001975577.7), dbSNP rs1412626408, ClinGen allele CA349064898.
Genomic context (GRCh38, chr2:166,041,398, plus strand): 5'-CAAATGGGTCCATCACAACCAGGTTGACAACATGTTTCACTTTTAACCAATATGGAGAAC[A>T]GTCCCAGATTAAGAATATGTTGGAAAATTTATACCAACAGGGTGGGCATTTCTGCCTGGA-3'
Protein context (NP_001159435.1, residues 740-760): KFSNIFLIWD[Cys750Ser]SPYWLKVKHV

ClinVar aggregate classification (germline): Uncertain significance. Review status: criteria provided, multiple submitters, no conflicts (2 of 4 stars). 2 submissions from 2 submitters: Uncertain significance (2). Last evaluated 2025-02-24.

Conditions:
Early-infantile DEE. Also called: Early infantile epileptic encephalopathy; Ohtahara syndrome; Early infantile epileptic encephalopathy with suppression bursts. Identifiers: Orphanet 1934, MedGen C0393706, MONDO:0800491.

gnomAD v4.1: 1 of 1,613,934 alleles (0.000062%); no homozygotes.

Submissions (2):

Labcorp Genetics (formerly Invitae), Labcorp
Classification: Uncertain significance for Early-infantile DEE. Last evaluated: 2025-02-24. Review status: criteria provided, single submitter. Criteria: Invitae Variant Classification Sherloc (09022015). Collection method: clinical testing. Allele origin: germline.
Comment: This sequence change replaces cysteine, which is neutral and slightly polar, with serine, which is neutral and polar, at codon 750 of the SCN1A protein (p.Cys750Ser). This variant is not present in population databases (gnomAD no frequency). This variant has not been reported in the literature in individuals affected with SCN1A-related conditions. ClinVar contains an entry for this variant (Variation ID: 1975577). Invitae Evidence Modeling of protein sequence and biophysical properties (such as structural, functional, and spatial information, amino acid conservation, physicochemical variation, residue mobility, and thermodynamic stability) indicates that this missense variant is expected to disrupt SCN1A protein function with a positive predictive value of 95%. In summary, the available evidence is currently insufficient to determine the role of this variant in disease. Therefore, it has been classified as a Variant of Uncertain Significance.

Dasa
Classification: Uncertain significance. Last evaluated: 2024-11-04. Review status: criteria provided, single submitter. Criteria: DASA Assertion Criteria. Collection method: clinical testing. Allele origin: germline.
Comment: NM_001165963.4(SCN1A):c.2248T>A (p.Cys750Ser) is a missense variant that results in the substitution of cysteine with serine. This variant is rare in population databases. Computational prediction algorithms are consistent with a deleterious effect. The currently available literature and clinical evidence are not sufficient to establish a definitive association between this variant and the reported condition. Therefore, this variant is classified as a variant of uncertain significance.